The following is an entry in ClinVar:

ClinVar aggregate classification (germline): Benign/Likely benign. Review status: criteria provided, multiple submitters, no conflicts (2 of 4 stars). 4 submissions from 4 submitters: Benign (1); Likely benign (3). Last evaluated 2025-12-21.

Conditions:
Tuberous sclerosis syndrome (TSC). Also called: Tuberous Sclerosis Complex; Tuberous sclerosis. Identifiers: Orphanet 805, MedGen C0041341, MONDO:0001734.
Tuberous sclerosis 2 (TSC2). Identifiers: Orphanet 805, MedGen C1860707, MONDO:0013199, OMIM 613254.
Hereditary cancer-predisposing syndrome. Also called: Tumor predisposition; Hereditary Cancer Syndrome; Neoplastic Syndromes, Hereditary; Hereditary neoplastic syndrome. Identifiers: Orphanet 140162, MedGen C0027672, MeSH D009386, MONDO:0015356.

Allele frequency attached by ClinVar (database versions not stated): TOPMed below 0.00001; gnomAD 0.00001.
gnomAD v4.1: 1 of 1,611,922 alleles (0.000062%); highest among the groups gnomAD compares: African/African-American, 0.0013%; no homozygotes.

Submissions (4):

Labcorp Genetics (formerly Invitae), Labcorp
Classification: Likely benign for Tuberous sclerosis 2. Last evaluated: 2025-12-21. Review status: criteria provided, single submitter. Criteria: Invitae Variant Classification Sherloc (09022015). Collection method: clinical testing. Allele origin: germline.

Myriad Genetics, Inc.
Classification: Benign for Tuberous sclerosis 2. Last evaluated: 2025-06-03. Review status: criteria provided, single submitter. Criteria: Myriad Autosomal Dominant, Autosomal Recessive and X-Linked Classification Criteria (2023). Collection method: clinical testing. Allele origin: unknown.
Comment: This variant is considered benign. This variant is a silent/synonymous amino acid change and it is not expected to impact splicing.

Ambry Genetics
Classification: Likely benign for Hereditary cancer-predisposing syndrome. Last evaluated: 2023-10-27. Review status: criteria provided, single submitter. Criteria: Ambry Variant Classification Scheme 2023. Collection method: clinical testing. Allele origin: germline.

All of Us Research Program, National Institutes of Health
Classification: Likely benign for Tuberous sclerosis syndrome. Last evaluated: 2023-06-26. Review status: criteria provided, single submitter. Criteria: ACMG Guidelines, 2015. Collection method: clinical testing. Allele origin: germline. Inheritance: Autosomal dominant inheritance. Observed: 1 variant allele, 1 heterozygote.
Comment: This study involves interpretation of variants in research participants for the purpose of population health screening. Participant phenotype was not available at the time of variant classification. Additional details can be found in publication PMID: 35346344, PMCID: PMC8962531

NM_000548.5(TSC2):c.4182G>A (p.Leu1394=)

Gene: TSC2 (TSC complex subunit 2; plus strand). Cytogenetic location: 16p13.3.
Variant type: single nucleotide variant.
Coding change: c.4182G>A on transcript NM_000548.5 (MANE Select); coding-DNA position 4182, G replaced by A.
Protein change: p.Leu1394=; no amino-acid change (leucine 1394 retained).
Molecular consequence: synonymous variant.
Genome position (GRCh38, 1-based): chr16:2,084,404, G>A. VCF-style: chr16-2084404-G-A. GRCh37 (hg19) VCF-style: chr16-2134405-G-A.
Other names: c.3981G>A, p.Leu1327= (NM_001077183.3); c.4113G>A, p.Leu1371= (NM_001114382.3); c.3873G>A, p.Leu1291= (NM_001318827.2); c.3837G>A, p.Leu1279= (NM_001318829.2); c.3450G>A, p.Leu1150= (NM_001318831.2); c.4014G>A, p.Leu1338= (NM_001318832.2); c.3984G>A, p.Leu1328= (NM_001363528.2); c.4050G>A, p.Leu1350= (NM_001370404.1); and 1 more.
Identifiers: ClinVar variation 756721 (VCV000756721.13), dbSNP rs1191824850, ClinGen allele CA493043165.